The following is an entry in ClinVar:

NM_000535.7(PMS2):c.543T>G (p.Tyr181Ter)

Gene: PMS2 (PMS1 homolog 2, mismatch repair system component; minus strand). Cytogenetic location: 7p22.1.
Variant type: single nucleotide variant.
Coding change: c.543T>G on transcript NM_000535.7 (MANE Select); coding-DNA position 543, T replaced by G.
Protein change: p.Tyr181Ter; replaces tyrosine 181 with a stop codon.
Molecular consequence: nonsense. On other transcripts: non-coding transcript variant (1), intron variant (3).
Genome position (GRCh38, 1-based): chr7:5,999,270, A>C on the plus strand (T>G on the coding strand, the complement: PMS2 is on the minus strand). VCF-style: chr7-5999270-A-C. GRCh37 (hg19) VCF-style: chr7-6038901-A-C.
Other names: c.138T>G, p.Tyr46Ter (NM_001322003.2, NM_001322004.2, NM_001322005.2 and 2 more transcripts); c.543T>G, p.Tyr181Ter (NM_001322006.2, NM_001322014.2); c.225T>G, p.Tyr75Ter (NM_001322007.2, NM_001322008.2); c.234T>G, p.Tyr78Ter (NM_001322015.2); c.133-1847T>G (NM_001322013.2); c.-347-44T>G (NM_001322012.2, NM_001322011.2); short protein forms Y181*, Y46*, Y75*, Y78*.
Identifiers: ClinVar variation 1073413 (VCV001073413.10), dbSNP rs1583387894, ClinGen allele CA366744127.

ClinVar aggregate classification (germline): Pathogenic. Review status: criteria provided, multiple submitters, no conflicts (2 of 4 stars). 2 submissions from 2 submitters: Pathogenic (2). Last evaluated 2022-06-30.

Conditions:
Hereditary nonpolyposis colorectal neoplasms. Identifiers: MedGen C0009405, MeSH D003123.
Lynch syndrome. Identifiers: Orphanet 144, MedGen C4552100, MONDO:0005835. Disease mechanism: loss of function.

Submissions (2):

Laboratory for Molecular Medicine, Mass General Brigham Personalized Medicine
Classification: Pathogenic for Lynch syndrome. Last evaluated: 2022-06-30. Review status: criteria provided, single submitter. Criteria: ACMG Guidelines, 2015. Collection method: clinical testing. Allele origin: germline.
Comment: The p.Tyr181X variant has not been previously reported in individuals with PMS2-related malignancies and was absent from large population studies. This nonsense variant leads to a premature termination codon at position 181, which is predicted to lead to a truncated or absent protein. A different variant at the same position also results in a nonsesne variant (c.543delT, p.Tyr181X), and was reported in two individuals with constitutional mismatch repair deficiency (CMMRD) syndrome, one of whom was homozygous and the other was compound heterozyogous with a pathogenic variant (De Vos 2004 PMID: 15077197, Baig 2019 PMID: 30478739). The variant segregated in 4 affected siblings across the two families. Heterozygous family members in the two studies were not reported to have malignancy which is consistent with previous findings of a lower penetrance of monoallelic carriers of PMS2 mutations compared to other MMR genes. Loss of function of the PMS2 gene is an established disease mechanism in autosomal recessive and autosomal dominant Lynch syndrome. In summary, this variant meets criteria to be classified as pathogenic for autosomal recessive constitutional mismatch repair deficiency (CMMRD) syndrome. ACMG/AMP Criteria applied: PVS1, PM5, PM2_Supporting.

Labcorp Genetics (formerly Invitae), Labcorp
Classification: Pathogenic for Hereditary nonpolyposis colorectal neoplasms. Last evaluated: 2020-09-17. Review status: criteria provided, single submitter. Criteria: Invitae Variant Classification Sherloc (09022015). Collection method: clinical testing. Allele origin: germline.
Comment: This variant is not present in population databases (ExAC no frequency). This sequence change creates a premature translational stop signal (p.Tyr181*) in the PMS2 gene. It is expected to result in an absent or disrupted protein product. A different variant (c.543del) causing the same protein effect (p.Tyr181*) has been observed homozygous in individual(s) with constitutional mismatch repair deficiency syndrome (PMID: 16507833, 30478739). It has also been observed to segregate with disease in related individuals. For these reasons, this variant has been classified as Pathogenic. Loss-of-function variants in PMS2 are known to be pathogenic (PMID: 21376568, 24362816).

Literature cited by the submitters: PubMed 16507833 (cited by Labcorp Genetics (formerly Invitae), Labcorp); PubMed 30478739 (cited by Labcorp Genetics (formerly Invitae), Labcorp); PubMed 21376568 (cited by Labcorp Genetics (formerly Invitae), Labcorp); PubMed 24362816 (cited by Labcorp Genetics (formerly Invitae), Labcorp).